The following is an entry in ClinVar:

ClinVar aggregate classification (germline): Conflicting classifications of pathogenicity. Review status: criteria provided, conflicting classifications (1 of 4 stars). 2 submissions from 2 submitters: Likely pathogenic (1); Uncertain significance (1). Last evaluated 2026-06-30.

Allele frequency attached by ClinVar (database versions not stated): gnomAD exomes below 0.00001.
gnomAD v4.1: 3 of 1,613,926 alleles (0.00019%); highest among the groups gnomAD compares: Admixed American, 0.0017%; no homozygotes.

Submissions (2):

GeneDx
Classification: Uncertain significance. Last evaluated: 2026-06-30. Review status: criteria provided, single submitter. Criteria: GeneDx Variant Classification Process June 2021. Collection method: clinical testing. Allele origin: germline.
Comment: Not observed at significant frequency in large population cohorts (gnomAD); In silico analysis supports that this missense variant has a deleterious effect on protein structure/function; This variant is associated with the following publications: (PMID: 28867142, 35982159, 35982160, 27824329, 28191890, 34011629, 28714951, 31785789, 25363768)

Illumina Laboratory Services, Illumina
Classification: Likely pathogenic. Last evaluated: 2022-09-07. Review status: criteria provided, single submitter. Criteria: ICSL CNVClassificationCriteria Aug2020. Collection method: clinical testing. Allele origin: unknown. Affected: yes.
Comment: The WDR26 c.725C>T (p.Pro242Leu) missense variant results in the substitution of proline at amino acid position 242 with leucine. This variant has been reported in a de novo state in at least four individuals with autism spectrum disorder (PMID: 25363768; PMID: 27824329; PMID: 28191890; PMID: 31785789). The c.725C>T variant is not found in version 2.1.1 or version 3.1.2 of the Genome Aggregation Database. Based on the available evidence, the c.725C>T (p.Pro242Leu) variant is classified as likely pathogenic for Skraban-Deardorff syndrome.

Literature cited by the submitters: PubMed 27824329 (cited by Illumina Laboratory Services, Illumina); PubMed 31785789 (cited by Illumina Laboratory Services, Illumina); PubMed 28191890 (cited by Illumina Laboratory Services, Illumina); PubMed 25363768 (cited by Illumina Laboratory Services, Illumina).

NM_001379403.1(WDR26):c.1025C>T (p.Pro342Leu)

Gene: WDR26 (WD repeat domain 26; minus strand). Cytogenetic location: 1q42.12.
Variant type: single nucleotide variant.
Coding change: c.1025C>T on transcript NM_001379403.1 (MANE Select); coding-DNA position 1025, C replaced by T.
Protein change: p.Pro342Leu; replaces proline 342 with leucine.
Molecular consequence: missense variant.
Genome position (GRCh38, 1-based): chr1:224,424,557, G>A on the plus strand (C>T on the coding strand, the complement: WDR26 is on the minus strand). VCF-style: chr1-224424557-G-A. GRCh37 (hg19) VCF-style: chr1-224612259-G-A.
Other names: c.725C>T (NM_025160.6); c.677C>T, p.Pro226Leu (NM_001115113.3); c.725C>T, p.Pro242Leu (NM_025160.7); short protein forms P226L, P242L, P342L.
Identifiers: ClinVar variation 2429389 (VCV002429389.5), dbSNP rs1417677519, ClinGen allele CA344751032.